The following is an entry in ClinVar:

NM_152637.3(TMT1B):c.377C>A (p.Pro126His)

Gene: TMT1B (thiol methyltransferase 1B; plus strand). Cytogenetic location: 12q13.2.
Variant type: single nucleotide variant.
Coding change: c.377C>A on transcript NM_152637.3 (MANE Select); coding-DNA position 377, C replaced by A.
Protein change: p.Pro126His; replaces proline 126 with histidine.
Molecular consequence: missense variant.
Genome position (GRCh38, 1-based): chr12:55,682,131, C>A. VCF-style: chr12-55682131-C-A. GRCh37 (hg19) VCF-style: chr12-56075915-C-A.
Other names: short protein forms P126H.
Identifiers: ClinVar variation 1237405 (VCV001237405.4), dbSNP rs75289684, ClinGen allele CA6615116.

ClinVar aggregate classification (germline): Benign (1 of 4 stars; one submission).

Allele frequency attached by ClinVar (database versions not stated): gnomAD exomes 0.00346 and 0.00904; ExAC 0.01083; gnomAD 0.03250 and 0.03508; TOPMed 0.03613; ESP Exome Variant Server 0.03691; 1000 Genomes Project 0.03794; 1000 Genomes Project 30x 0.04107.
gnomAD v4.1: 10,214 of 1,614,050 alleles (0.63%); highest among the groups gnomAD compares: African/African-American, 11%; 494 homozygotes.

Submission:

GeneDx
Classification: Benign. Last evaluated: 2019-01-10. Review status: criteria provided, single submitter. Criteria: GeneDx Variant Classification Process June 2021. Collection method: clinical testing. Allele origin: germline. Affected: yes.
Comment: This variant is associated with the following publications: (PMID: 29362361)